The following is an entry in ClinVar:

ClinVar aggregate classification (germline): Uncertain significance (1 of 4 stars; one submission).

Conditions:
Cardiovascular phenotype. Identifiers: MedGen CN230736.

Allele frequency attached by ClinVar (database versions not stated): gnomAD exomes below 0.00001.
gnomAD v4.1: 2 of 1,607,040 alleles (0.00012%); highest among the groups gnomAD compares: Non-Finnish European, 0.00017%; no homozygotes.

Submission:

Ambry Genetics
Classification: Uncertain significance for Cardiovascular phenotype. Last evaluated: 2024-02-22. Review status: criteria provided, single submitter. Criteria: Ambry Variant Classification Scheme 2023. Collection method: clinical testing. Allele origin: germline.
Comment: The p.G645D variant (also known as c.1934G>A), located in coding exon 24 of the CACNA2D1 gene, results from a G to A substitution at nucleotide position 1934. The glycine at codon 645 is replaced by aspartic acid, an amino acid with similar properties. This amino acid position is conserved. In addition, the in silico prediction for this alteration is inconclusive. Based on the available evidence, the clinical significance of this alteration remains unclear.

NM_000722.4(CACNA2D1):c.1934G>A (p.Gly645Asp)

Gene: CACNA2D1 (calcium voltage-gated channel auxiliary subunit alpha2delta 1; minus strand). Cytogenetic location: 7q21.11.
Variant type: single nucleotide variant.
Coding change: c.1934G>A on transcript NM_000722.4 (MANE Select); coding-DNA position 1934, G replaced by A.
Protein change: p.Gly645Asp; replaces glycine 645 with aspartic acid.
Molecular consequence: missense variant.
Genome position (GRCh38, 1-based): chr7:81,982,588, C>T on the plus strand (G>A on the coding strand, the complement: CACNA2D1 is on the minus strand). VCF-style: chr7-81982588-C-T. GRCh37 (hg19) VCF-style: chr7-81611904-C-T.
Other names: c.1970G>A, p.Gly657Asp (NM_001366867.1); short protein forms G645D, G657D.
Identifiers: ClinVar variation 3232254 (VCV003232254.1), dbSNP rs2484781853, ClinGen allele CA367895197.